The following is an entry in ClinVar:

ClinVar aggregate classification (germline): Pathogenic (1 of 4 stars; one submission).

Submission:

GeneDx
Classification: Pathogenic. Last evaluated: 2023-08-03. Review status: criteria provided, single submitter. Criteria: GeneDx Variant Classification Process June 2021. Collection method: clinical testing. Allele origin: germline. Affected: yes.
Comment: Frameshift variant predicted to result in protein truncation or nonsense mediated decay in a gene for which loss of function is a known mechanism of disease; Not observed at significant frequency in large population cohorts (gnomAD); This variant is associated with the following publications: (PMID: 35778421)

NM_001009944.3(PKD1):c.10188dup (p.Lys3397fs)

Gene: PKD1 (polycystin 1, transient receptor potential channel interacting; minus strand). Cytogenetic location: 16p13.3.
Variant type: Duplication.
Coding change: c.10188dup on transcript NM_001009944.3 (MANE Select); coding-DNA position 10188, one base duplicated (G; older notation c.10188dupG).
Protein change: p.Lys3397fs; shifts the reading frame from lysine 3397.
Molecular consequence: frameshift variant.
Genome position (GRCh38, 1-based): chr16:2,097,760, C duplicated on the plus strand (G on the coding strand, the reverse complement: PKD1 is on the minus strand). VCF-style (leftmost placement, unchanged base first): chr16-2097759-T-TC. GRCh37 (hg19) VCF-style: chr16-2147760-T-TC.
Other names: c.10185dup, p.Lys3396fs (NM_000296.4); short protein forms K3396fs, K3397fs.
Identifiers: ClinVar variation 3252340 (VCV003252340.1), dbSNP rs2544692049.